The following is an entry in ClinVar:

ClinVar aggregate classification (germline): Uncertain significance. Review status: criteria provided, multiple submitters, no conflicts (2 of 4 stars). 2 submissions from 2 submitters: Uncertain significance (2). Last evaluated 2025-04-17.

Conditions:
Inborn genetic diseases. Identifiers: MedGen C0950123, MeSH D030342.

gnomAD v4.1: 48 of 1,613,560 alleles (0.003%); highest among the groups gnomAD compares: South Asian, 0.047%; no homozygotes.

Submissions (2):

Labcorp Genetics (formerly Invitae), Labcorp
Classification: Uncertain significance. Last evaluated: 2025-04-17. Review status: criteria provided, single submitter. Criteria: Invitae Variant Classification Sherloc (09022015). Collection method: clinical testing. Allele origin: germline.
Comment: This sequence change replaces arginine, which is basic and polar, with tryptophan, which is neutral and slightly polar, at codon 494 of the DCHS1 protein (p.Arg494Trp). This variant is present in population databases (rs576322248, gnomAD 0.05%). This variant has not been reported in the literature in individuals affected with DCHS1-related conditions. ClinVar contains an entry for this variant (Variation ID: 3500040). Invitae Evidence Modeling of protein sequence and biophysical properties (such as structural, functional, and spatial information, amino acid conservation, physicochemical variation, residue mobility, and thermodynamic stability) indicates that this missense variant is expected to disrupt DCHS1 protein function with a positive predictive value of 80%. In summary, the available evidence is currently insufficient to determine the role of this variant in disease. Therefore, it has been classified as a Variant of Uncertain Significance.

Ambry Genetics
Classification: Uncertain significance for Inborn genetic diseases. Last evaluated: 2024-10-17. Review status: criteria provided, single submitter. Criteria: Ambry Variant Classification Scheme 2023. Collection method: clinical testing. Allele origin: germline.

NM_003737.4(DCHS1):c.1480C>T (p.Arg494Trp)

Gene: DCHS1 (dachsous cadherin-related 1; minus strand). Cytogenetic location: 11p15.4.
Variant type: single nucleotide variant.
Coding change: c.1480C>T on transcript NM_003737.4 (MANE Select); coding-DNA position 1480, C replaced by T.
Protein change: p.Arg494Trp; replaces arginine 494 with tryptophan.
Molecular consequence: missense variant.
Genome position (GRCh38, 1-based): chr11:6,640,134, G>A on the plus strand (C>T on the coding strand, the complement: DCHS1 is on the minus strand). VCF-style: chr11-6640134-G-A. GRCh37 (hg19) VCF-style: chr11-6661365-G-A.
Other names: short protein forms R494W.
Identifiers: ClinVar variation 3500040 (VCV003500040.2).